The following is an entry in ClinVar:

NM_000179.3(MSH6):c.3190_3192delinsCC (p.Ala1064fs)

Gene: MSH6 (mutS homolog 6; plus strand). Cytogenetic location: 2p16.3.
Variant type: Indel.
Coding change: c.3190_3192delinsCC on transcript NM_000179.3 (MANE Select); coding-DNA positions 3190 to 3192, GCT replaced by CC.
Protein change: p.Ala1064fs; shifts the reading frame from alanine 1064.
Molecular consequence: frameshift variant. On other transcripts: 5 prime UTR variant (1), non-coding transcript variant (5), intron variant (1).
Genome position (GRCh38, 1-based): chr2:47,803,437-47,803,439, GCT replaced by CC. VCF-style: chr2-47803437-GCT-CC. GRCh37 (hg19) VCF-style: chr2-48030576-GCT-CC.
Other names: p.Ala1064Profs*15; c.3190_3192delGCTinsCC, p.Ala1064Profs (NM_000179.2); c.2800_2802delinsCC, p.Ala934fs (NM_001281492.2); c.2284_2286delinsCC, p.Ala762fs (NM_001281493.2, NM_001281494.2, NM_001406811.1 and 6 more transcripts); c.3286_3288delinsCC, p.Ala1096fs (NM_001406795.1, NM_001406802.1); c.3190_3192delinsCC, p.Ala1064fs (NM_001406796.1, NM_001406800.1, NM_001406808.1 and 1 more transcripts); c.2893_2895delinsCC, p.Ala965fs (NM_001406797.1, NM_001406801.1, NM_001406805.1 and 10 more transcripts); c.2665_2667delinsCC, p.Ala889fs (NM_001406799.1, NM_001406806.1, NM_001406807.1); and 10 more; short protein forms A1008fs, A1038fs, A1064fs, A1066fs, A1096fs, A13fs, A379fs, A542fs.
Identifiers: ClinVar variation 2673623 (VCV002673623.2), dbSNP rs2530758570, ClinGen allele CA2695200650.

ClinVar aggregate classification (germline): Pathogenic/Likely pathogenic. Review status: criteria provided, multiple submitters, no conflicts (2 of 4 stars). 2 submissions from 2 submitters: Pathogenic (1); Likely pathogenic (1). Last evaluated 2024-03-27.

Conditions:
Lynch syndrome 5 (LYNCH5). Also called: Colorectal cancer, hereditary nonpolyposis, type 5; Hereditary non-polyposis colorectal cancer, type 5. Identifiers: Orphanet 144, MedGen C1833477, MONDO:0013710, OMIM 614350. Disease mechanism: loss of function.

Submissions (2):

Mayo Clinic Laboratories, Mayo Clinic
Classification: Likely pathogenic. Last evaluated: 2024-03-27. Review status: criteria provided, single submitter. Criteria: ACMG Guidelines, 2015. Collection method: clinical testing. Allele origin: germline. Observed: 1 variant allele.
Comment: PM2, PVS1

Myriad Genetics, Inc.
Classification: Pathogenic for Lynch syndrome 5. Last evaluated: 2023-08-22. Review status: criteria provided, single submitter. Criteria: Myriad Autosomal Dominant, Autosomal Recessive and X-Linked Classification Criteria (2023). Collection method: clinical testing. Allele origin: unknown.
Comment: This variant is considered pathogenic. This variant creates a frameshift predicted to result in premature protein truncation.